The following is an entry in ClinVar:

ClinVar aggregate classification (germline): Uncertain significance (1 of 4 stars; one submission).

gnomAD v4.1: 1 of 1,614,096 alleles (0.000062%); highest among the groups gnomAD compares: Non-Finnish European, 0.000085%; no homozygotes.

Submission:

Women's Health and Genetics/Laboratory Corporation of America, LabCorp
Classification: Uncertain significance. Last evaluated: 2024-06-05. Review status: criteria provided, single submitter. Criteria: LabCorp Variant Classification Summary - May 2015. Collection method: clinical testing. Allele origin: germline.
Comment: Variant summary: CAPN3 c.662G>T (p.Gly221Val) results in a non-conservative amino acid change located in the Peptidase C2, calpain, catalytic domain (IPR001300) of the encoded protein sequence. Four of five in-silico tools predict a damaging effect of the variant on protein function. The variant was absent in 251458 control chromosomes. The available data on variant occurrences in the general population are insufficient to allow any conclusion about variant significance. c.662G>T has been reported in the literature in one individual affected with Limb-Girdle Muscular Dystrophy, Autosomal Recessive (Aguennouz_2016, Guglieri_2008). These data do not allow any conclusion about variant significance. To our knowledge, no experimental evidence demonstrating an impact on protein function has been reported. The following publications have been ascertained in the context of this evaluation (PMID: 27558075, 17994539). No submitters have cited clinical-significance assessments for this variant to ClinVar. Based on the evidence outlined above, the variant was classified as uncertain significance.

Literature cited by the submitters: PubMed 17994539; PubMed 27558075.

NM_000070.3(CAPN3):c.662G>T (p.Gly221Val)

Gene: CAPN3 (calpain 3; plus strand). Cytogenetic location: 15q15.1.
Variant type: single nucleotide variant.
Coding change: c.662G>T on transcript NM_000070.3 (MANE Select); coding-DNA position 662, G replaced by T.
Protein change: p.Gly221Val; replaces glycine 221 with valine.
Molecular consequence: missense variant.
Genome position (GRCh38, 1-based): chr15:42,388,957, G>T. VCF-style: chr15-42388957-G-T. GRCh37 (hg19) VCF-style: chr15-42681155-G-T.
Other names: c.662G>T, p.Gly221Val (NM_024344.2, NM_173087.2); short protein forms G221V.
Identifiers: ClinVar variation 3339733 (VCV003339733.1).
Genomic context (GRCh38, chr15:42,388,957, plus strand): 5'-ACCCCAAATTGGTCTTCATCCTCTCTCTAAGGCTCCATGGTTCCTACGAAGCTCTGAAAG[G>T]TGGGAACACCACAGAGGCCATGGAGGACTTCACAGGAGGGGTGGCAGAGTTTTTTGAGAT-3'
Protein context (NP_000061.1, residues 211-231): KLHGSYEALK[Gly221Val]GNTTEAMEDF